The following is an entry in ClinVar:

ClinVar aggregate classification (germline): Uncertain significance (1 of 4 stars; one submission).

Conditions:
Muscular dystrophy-dystroglycanopathy (congenital with brain and eye anomalies), type a, 8 (MDDGA8). Also called: WALKER-WARBURG SYNDROME OR MUSCLE-EYE-BRAIN DISEASE, GTDC2-RELATED. Identifiers: Orphanet 899, MedGen C3553813, MONDO:0013904, OMIM 614830.

Submission:

Labcorp Genetics (formerly Invitae), Labcorp
Classification: Uncertain significance for Muscular dystrophy-dystroglycanopathy (congenital with brain and eye anomalies), type a, 8. Last evaluated: 2022-07-17. Review status: criteria provided, single submitter. Criteria: Invitae Variant Classification Sherloc (09022015). Collection method: clinical testing. Allele origin: germline.
Comment: This sequence change replaces asparagine, which is neutral and polar, with serine, which is neutral and polar, at codon 297 of the POMGNT2 protein (p.Asn297Ser). This variant is not present in population databases (gnomAD no frequency). This variant has not been reported in the literature in individuals affected with POMGNT2-related conditions. Algorithms developed to predict the effect of missense changes on protein structure and function are either unavailable or do not agree on the potential impact of this missense change (SIFT: "Tolerated"; PolyPhen-2: "Possibly Damaging"; Align-GVGD: "Class C0"). In summary, the available evidence is currently insufficient to determine the role of this variant in disease. Therefore, it has been classified as a Variant of Uncertain Significance.

NM_032806.6(POMGNT2):c.890A>G (p.Asn297Ser)

Gene: POMGNT2 (protein O-linked mannose N-acetylglucosaminyltransferase 2 (beta 1,4-); minus strand). Cytogenetic location: 3p22.1.
Variant type: single nucleotide variant.
Coding change: c.890A>G on transcript NM_032806.6 (MANE Select); coding-DNA position 890, A replaced by G.
Protein change: p.Asn297Ser; replaces asparagine 297 with serine.
Molecular consequence: missense variant.
Genome position (GRCh38, 1-based): chr3:43,080,542, T>C on the plus strand (A>G on the coding strand, the complement: POMGNT2 is on the minus strand). VCF-style: chr3-43080542-T-C. GRCh37 (hg19) VCF-style: chr3-43122034-T-C.
Other names: short protein forms N297S.
Identifiers: ClinVar variation 2007518 (VCV002007518.4), dbSNP rs2528897133, ClinGen allele CA352302286.